The following is an entry in ClinVar:

NM_001184.4(ATR):c.3712A>C (p.Ile1238Leu)

Gene: ATR (ATR checkpoint kinase; minus strand). Cytogenetic location: 3q23.
Variant type: single nucleotide variant.
Coding change: c.3712A>C on transcript NM_001184.4 (MANE Select); coding-DNA position 3712, A replaced by C.
Protein change: p.Ile1238Leu; replaces isoleucine 1238 with leucine.
Molecular consequence: missense variant.
Genome position (GRCh38, 1-based): chr3:142,538,495, T>G on the plus strand (A>C on the coding strand, the complement: ATR is on the minus strand). VCF-style: chr3-142538495-T-G. GRCh37 (hg19) VCF-style: chr3-142257337-T-G.
Other names: c.3520A>C, p.Ile1174Leu (NM_001354579.2); short protein forms I1238L, I1174L.
Identifiers: ClinVar variation 1734208 (VCV001734208.2), dbSNP rs1210104615, ClinGen allele CA354807393.
Genomic context (GRCh38, chr3:142,538,495, plus strand): 5'-TACAGTTTAAAAAGTTATTATTTTACTATTAATTTCAGTTACAATACCTGTTTTCAATTA[T>G]GAGGTAGTGGAAGATAGCTGCAGTTTCTTTAGGCTGGATGTGTATAAGAGGTAACAAAGC-3'
Protein context (NP_001175.2, residues 1228-1248): KETAAIFHYL[Ile1238Leu]IENRDAVQDF

ClinVar aggregate classification (germline): Uncertain significance (1 of 4 stars; one submission).

Conditions:
Inborn genetic diseases. Identifiers: MedGen C0950123, MeSH D030342.

Submission:

Ambry Genetics
Classification: Uncertain significance for Inborn genetic diseases. Last evaluated: 2021-11-12. Review status: criteria provided, single submitter. Criteria: Ambry Variant Classification Scheme 2023. Collection method: clinical testing. Allele origin: germline.
Comment: The p.I1238L variant (also known as c.3712A>C), located in coding exon 19 of the ATR gene, results from an A to C substitution at nucleotide position 3712. The isoleucine at codon 1238 is replaced by leucine, an amino acid with highly similar properties. This amino acid position is conserved. In addition, the in silico prediction for this alteration is inconclusive. Since supporting evidence is limited at this time, the clinical significance of this alteration remains unclear.